The following is an entry in ClinVar:

ClinVar aggregate classification (germline): Likely benign (1 of 4 stars; one submission).

Allele frequency attached by ClinVar (database versions not stated): 1000 Genomes Project 30x 0.00172; 1000 Genomes Project 0.00220; TOPMed 0.00274; gnomAD 0.00467.
gnomAD v4.1: 705 of 152,152 alleles (0.46%); highest among the groups gnomAD compares: Middle Eastern, 0.68%; 4 homozygotes.

Submission:

CeGaT Center for Human Genetics Tuebingen
Classification: Likely benign. Last evaluated: 2023-01-01. Review status: criteria provided, single submitter. Criteria: CeGaT Center For Human Genetics Tuebingen Variant Classification Criteria Version 2. Collection method: clinical testing. Allele origin: germline. Affected: yes. Observed: 1 variant allele.
Comment: CACNA2D1: BS2

NM_000722.4(CACNA2D1):c.1591-1883G>A

Gene: CACNA2D1 (calcium voltage-gated channel auxiliary subunit alpha2delta 1; minus strand). Cytogenetic location: 7q21.11.
Variant type: single nucleotide variant.
Coding change: c.1591-1883G>A on transcript NM_000722.4 (MANE Select); 1883 bases into the intron before coding-DNA position 1591, G replaced by A.
Molecular consequence: intron variant.
Genome position (GRCh38, 1-based): chr7:81,999,133, C>T on the plus strand (G>A on the coding strand, the complement: CACNA2D1 is on the minus strand). VCF-style: chr7-81999133-C-T. GRCh37 (hg19) VCF-style: chr7-81628449-C-T.
Other names: c.1648-1883G>A (NM_001366867.1).
Identifiers: ClinVar variation 2657641 (VCV002657641.24), dbSNP rs183613279, ClinGen allele CA161124192.
Genomic context (GRCh38, chr7:81,999,133, plus strand): 5'-TCTTACATGCAATGGATAATGCATAGCATGACCAGACCCAAACAGCATGCATGGAGGAGG[C>T]ATTATCAGGAAGAATTGGCAATATGAAGATCATGTCCCAATCCAGCATACAAAGACACAG-3'